The following is an entry in ClinVar:

ClinVar aggregate classification (germline): Uncertain significance (1 of 4 stars; one submission).

Allele frequency attached by ClinVar (database versions not stated): ExAC 0.00002; gnomAD 0.00002; gnomAD exomes 0.00002; TOPMed 0.00002; ESP Exome Variant Server 0.00015.
gnomAD v4.1: 30 of 1,611,330 alleles (0.0019%); highest among the groups gnomAD compares: Non-Finnish European, 0.0025%; no homozygotes.

Submission:

GeneDx
Classification: Uncertain significance. Last evaluated: 2023-04-24. Review status: criteria provided, single submitter. Criteria: GeneDx Variant Classification Process June 2021. Collection method: clinical testing. Allele origin: germline. Affected: yes.
Comment: Not observed at significant frequency in large population cohorts (gnomAD); In silico analysis supports that this missense variant does not alter protein structure/function; Has not been previously published as pathogenic or benign to our knowledge

NM_014317.5(PDSS1):c.248A>G (p.Asp83Gly)

Gene: PDSS1 (decaprenyl diphosphate synthase subunit 1; plus strand). Cytogenetic location: 10p12.1.
Variant type: single nucleotide variant.
Coding change: c.248A>G on transcript NM_014317.5 (MANE Select); coding-DNA position 248, A replaced by G.
Protein change: p.Asp83Gly; replaces aspartic acid 83 with glycine.
Molecular consequence: missense variant. On other transcripts: 5 prime UTR variant (1).
Genome position (GRCh38, 1-based): chr10:26,705,306, A>G. VCF-style: chr10-26705306-A-G. GRCh37 (hg19) VCF-style: chr10-26994235-A-G.
Other names: c.248A>G, p.Asp83Gly (NM_001321978.2); c.-346A>G (NM_001321979.2); short protein forms D83G.
Identifiers: ClinVar variation 2663483 (VCV002663483.1), dbSNP rs372198028, ClinGen allele CA5446891.